The following is an entry in ClinVar:

ClinVar aggregate classification (germline): Uncertain significance (1 of 4 stars; one submission).

Submission:

GeneDx
Classification: Uncertain significance. Last evaluated: 2024-03-19. Review status: criteria provided, single submitter. Criteria: GeneDx Variant Classification Process June 2021. Collection method: clinical testing. Allele origin: germline. Affected: yes.
Comment: In-frame deletion of 1 amino acid in a non-repeat region; In silico analysis supports that this variant does not alter protein structure/function; Has not been previously published as pathogenic or benign to our knowledge

NM_001142784.3(IL11RA):c.306_308del (p.Gly103del)

Gene: IL11RA (interleukin 11 receptor subunit alpha; plus strand). Cytogenetic location: 9p13.3.
Variant type: Deletion.
Coding change: c.306_308del on transcript NM_001142784.3 (MANE Select); coding-DNA positions 306 to 308, 3 bases deleted (GGG; older notation c.306_308delGGG).
Protein change: p.Gly103del; deletes glycine 103.
Molecular consequence: non-coding transcript variant (on NR_052010.2).
Genome position (GRCh38, 1-based): chr9:34,656,883-34,656,885, GGG deleted; deleting any 3 consecutive bases within chr9:34,656,881-34,656,885 gives the same sequence; the c. name uses the placement nearest the transcript's 3' end. VCF-style (leftmost placement, unchanged base first): chr9-34656880-TGGG-T. GRCh37 (hg19) VCF-style: chr9-34656877-TGGG-T.
Other names: short protein forms G103del.
Identifiers: ClinVar variation 3370985 (VCV003370985.1).